The following is an entry in ClinVar:

ClinVar aggregate classification (germline): Uncertain significance (1 of 4 stars; one submission).

Conditions:
Hereditary cancer-predisposing syndrome. Also called: Hereditary Cancer Syndrome; Hereditary neoplastic syndrome; Neoplastic Syndromes, Hereditary; Tumor predisposition. Identifiers: Orphanet 140162, MedGen C0027672, MeSH D009386, MONDO:0015356.

Submission:

Ambry Genetics
Classification: Uncertain significance for Hereditary cancer-predisposing syndrome. Last evaluated: 2025-05-12. Review status: criteria provided, single submitter. Criteria: Ambry Variant Classification Scheme 2023. Collection method: clinical testing. Allele origin: germline.
Comment: The p.N248H variant (also known as c.742A>C), located in coding exon 7 of the APC gene, results from an A to C substitution at nucleotide position 742. The asparagine at codon 248 is replaced by histidine, an amino acid with similar properties. This amino acid position is poorly conserved in available vertebrate species. In addition, in silico predictors for this gene do not accurately predict pathogenicity. Missense alterations in APC are not a common cause of disease (Spier I et al. Genet Med. 2024 Feb;26(2):100992). Based on the available evidence, the clinical significance of this variant remains unclear.

NM_000038.6(APC):c.742A>C (p.Asn248His)

Gene: APC (APC regulator of Wnt signaling pathway; plus strand). Cytogenetic location: 5q22.2.
Variant type: single nucleotide variant.
Coding change: c.742A>C on transcript NM_000038.6 (MANE Select); coding-DNA position 742, A replaced by C.
Protein change: p.Asn248His; replaces asparagine 248 with histidine.
Molecular consequence: missense variant. On other transcripts: 5 prime UTR variant (4), non-coding transcript variant (2).
Genome position (GRCh38, 1-based): chr5:112,801,291, A>C. VCF-style: chr5-112801291-A-C. GRCh37 (hg19) VCF-style: chr5-112136988-A-C.
Other names: c.742A>C, p.Asn248His (NM_001127510.3, NM_001354895.2, NM_001354896.2 and 12 more transcripts); c.688A>C, p.Asn230His (NM_001127511.3); c.772A>C, p.Asn258His (NM_001354897.2, NM_001354902.2, NM_001407446.1); c.667A>C, p.Asn223His (NM_001354898.2, NM_001354904.2, NM_001407451.1); c.658A>C, p.Asn220His (NM_001354899.2, NM_001407452.1, NM_001407467.1 and 1 more transcripts); c.565A>C, p.Asn189His (NM_001354900.2, NM_001354901.2, NM_001354905.2 and 1 more transcripts); c.-294A>C (NM_001354906.2, NM_001407470.1, NM_001407471.1 and 1 more transcripts); short protein forms N220H, N230H, N248H, N189H, N223H, N258H.
Identifiers: ClinVar variation 3928929 (VCV003928929.1).
Genomic context (GRCh38, chr5:112,801,291, plus strand): 5'-AAGCCTACACCATTTTTGCATGTACTGATGTTAACTCCATCTTAACAGAGGTCATCTCAG[A>C]ACAAGCATGAAACCGGCTCACATGATGCTGAGCGGCAGAATGAAGGTCAAGGAGTGGGAG-3'
Protein context (NP_000029.2, residues 238-258): QATEAERSSQ[Asn248His]KHETGSHDAE